The following is an entry in ClinVar:

ClinVar aggregate classification (germline): Uncertain significance. Review status: criteria provided, multiple submitters, no conflicts (2 of 4 stars). 2 submissions from 2 submitters: Uncertain significance (2). Last evaluated 2025-12-31.

Conditions:
CHARGE syndrome (CHARGE). Also called: Coloboma, heart anomaly, choanal atresia, retardation, genital and ear anomalies; CHARGE association; Hall-Hittner syndrome; Hittner Hirsch Kreh syndrome; CHARGE ASSOCIATION--COLOBOMA, HEART ANOMALY, CHOANAL ATRESIA, RETARDATION, GENITAL AND EAR ANOMALIES. Identifiers: Orphanet 138, MedGen C0265354, MONDO:0008965.
Inborn genetic diseases. Identifiers: MedGen C0950123, MeSH D030342.

gnomAD v4.1: 1 of 1,613,804 alleles (0.000062%); highest among the groups gnomAD compares: Non-Finnish European, 0.000085%; no homozygotes.

Submissions (2):

Ambry Genetics
Classification: Uncertain significance for Inborn genetic diseases. Last evaluated: 2025-12-31. Review status: criteria provided, single submitter. Criteria: Ambry Variant Classification Scheme 2023. Collection method: clinical testing. Allele origin: germline.

Labcorp Genetics (formerly Invitae), Labcorp
Classification: Uncertain significance for CHARGE syndrome. Last evaluated: 2021-04-06. Review status: criteria provided, single submitter. Criteria: Invitae Variant Classification Sherloc (09022015). Collection method: clinical testing. Allele origin: germline.
Comment: In summary, the available evidence is currently insufficient to determine the role of this variant in disease. Therefore, it has been classified as a Variant of Uncertain Significance. Advanced modeling of protein sequence and biophysical properties (such as structural, functional, and spatial information, amino acid conservation, physicochemical variation, residue mobility, and thermodynamic stability) performed at Invitae indicates that this missense variant is not expected to disrupt CHD7 protein function. This variant has not been reported in the literature in individuals with CHD7-related conditions. This variant is not present in population databases (ExAC no frequency). This sequence change replaces valine with isoleucine at codon 1044 of the CHD7 protein (p.Val1044Ile). The valine residue is highly conserved and there is a small physicochemical difference between valine and isoleucine.

NM_017780.4(CHD7):c.3130G>A (p.Val1044Ile)

Gene: CHD7 (chromodomain helicase DNA binding protein 7; plus strand). Cytogenetic location: 8q12.2.
Variant type: single nucleotide variant.
Coding change: c.3130G>A on transcript NM_017780.4 (MANE Select); coding-DNA position 3130, G replaced by A.
Protein change: p.Val1044Ile; replaces valine 1044 with isoleucine.
Molecular consequence: missense variant. On other transcripts: intron variant (1).
Genome position (GRCh38, 1-based): chr8:60,822,675, G>A. VCF-style: chr8-60822675-G-A. GRCh37 (hg19) VCF-style: chr8-61735234-G-A.
Other names: c.1717-39554G>A (NM_001316690.1); c.3130G>A (NM_017780.3); short protein forms V1044I.
Identifiers: ClinVar variation 1486981 (VCV001486981.9), dbSNP rs2150750448, ClinGen allele CA371310154.